The following is an entry in ClinVar:

ClinVar aggregate classification (germline): Uncertain significance (1 of 4 stars; one submission).

Conditions:
Gastrointestinal stromal tumor. Also called: Gastrointestinal stroma tumor; Gastrointestinal stromal tumor, somatic. Identifiers: Orphanet 44890, MedGen C0238198, MeSH D046152, MONDO:0011719, OMIM 606764, HP:0100723.

Submission:

Labcorp Genetics (formerly Invitae), Labcorp
Classification: Uncertain significance for Gastrointestinal stromal tumor. Last evaluated: 2022-12-10. Review status: criteria provided, single submitter. Criteria: Invitae Variant Classification Sherloc (09022015). Collection method: clinical testing. Allele origin: germline.
Comment: In summary, the available evidence is currently insufficient to determine the role of this variant in disease. Therefore, it has been classified as a Variant of Uncertain Significance. Algorithms developed to predict the effect of missense changes on protein structure and function are either unavailable or do not agree on the potential impact of this missense change (SIFT: "Tolerated"; PolyPhen-2: "Possibly Damaging"; Align-GVGD: "Class C0"). This variant has not been reported in the literature in individuals affected with PDGFRA-related conditions. This variant is not present in population databases (gnomAD no frequency). This sequence change replaces aspartic acid, which is acidic and polar, with glutamic acid, which is acidic and polar, at codon 1008 of the PDGFRA protein (p.Asp1008Glu).

NM_006206.6(PDGFRA):c.3024T>G (p.Asp1008Glu)

Gene: PDGFRA (platelet derived growth factor receptor alpha; plus strand). Cytogenetic location: 4q12.
Variant type: single nucleotide variant.
Coding change: c.3024T>G on transcript NM_006206.6 (MANE Select); coding-DNA position 3024, T replaced by G.
Protein change: p.Asp1008Glu; replaces aspartic acid 1008 with glutamic acid.
Molecular consequence: missense variant.
Genome position (GRCh38, 1-based): chr4:54,290,456, T>G. VCF-style: chr4-54290456-T-G. GRCh37 (hg19) VCF-style: chr4-55156623-T-G.
Other names: c.3099T>G, p.Asp1033Glu (NM_001347828.2); c.3024T>G, p.Asp1008Glu (NM_001347829.2); c.3063T>G, p.Asp1021Glu (NM_001347830.2); short protein forms D1033E, D1008E, D1021E.
Identifiers: ClinVar variation 2092164 (VCV002092164.4), dbSNP rs2475565888, ClinGen allele CA356896212.